The following is an entry in ClinVar:

NM_000709.4(BCKDHA):c.1262G>A (p.Arg421His)

Gene: BCKDHA (branched chain keto acid dehydrogenase E1 subunit alpha; plus strand). Cytogenetic location: 19q13.2.
Variant type: single nucleotide variant.
Coding change: c.1262G>A on transcript NM_000709.4 (MANE Select); coding-DNA position 1262, G replaced by A.
Protein change: p.Arg421His; replaces arginine 421 with histidine.
Molecular consequence: missense variant.
Genome position (GRCh38, 1-based): chr19:41,424,532, G>A. VCF-style: chr19-41424532-G-A. GRCh37 (hg19) VCF-style: chr19-41930437-G-A.
Other names: c.1259G>A, p.Arg420His (NM_001164783.2); short protein forms R420H, R421H.
Identifiers: ClinVar variation 1024613 (VCV001024613.3), dbSNP rs535975575, ClinGen allele CA9461417.

ClinVar aggregate classification (germline): Uncertain significance. Review status: criteria provided, single submitter (1 of 4 stars). 2 submissions from 2 submitters: Uncertain significance (1). 1 of the submissions does not count toward it. Last evaluated 2021-09-01.

Conditions:
Maple syrup urine disease (MSUD). Identifiers: Orphanet 511, MedGen C0024776, MeSH D008375, MONDO:0009563. Disease mechanism: loss of function.
Maple syrup urine disease type 1A (MSUD1A). Also called: MSUD type 1A. Identifiers: MedGen C1855369, MONDO:0023691, OMIM 248600.

Allele frequency attached by ClinVar (database versions not stated): gnomAD exomes below 0.00001 and 0.00001; TOPMed below 0.00001; gnomAD 0.00001; ExAC 0.00002; 1000 Genomes Project 30x 0.00016; 1000 Genomes Project 0.00020.
gnomAD v4.1: 15 of 1,614,084 alleles (0.00093%); highest among the groups gnomAD compares: South Asian, 0.0077%; no homozygotes.

Submissions (2):

Labcorp Genetics (formerly Invitae), Labcorp
Classification: Uncertain significance for Maple syrup urine disease. Last evaluated: 2021-09-01. Review status: criteria provided, single submitter. Criteria: Invitae Variant Classification Sherloc (09022015). Collection method: clinical testing. Allele origin: germline.
Comment: This sequence change replaces arginine with histidine at codon 421 of the BCKDHA protein (p.Arg421His). The arginine residue is highly conserved and there is a small physicochemical difference between arginine and histidine. This variant is present in population databases (rs535975575, ExAC 0.01%). This variant has not been reported in the literature in individuals affected with BCKDHA-related conditions. Algorithms developed to predict the effect of missense changes on protein structure and function (SIFT, PolyPhen-2, Align-GVGD) all suggest that this variant is likely to be tolerated. In summary, the available evidence is currently insufficient to determine the role of this variant in disease. Therefore, it has been classified as a Variant of Uncertain Significance.

Natera, Inc.
Classification: Uncertain significance for Maple syrup urine disease type 1A. Last evaluated: 2020-02-13. Review status: no assertion criteria provided. Collection method: clinical testing. Allele origin: germline. Not counted in ClinVar's aggregate classification.